The following is an entry in ClinVar:

NM_033109.5(PNPT1):c.1161_1162del (p.Gly389fs)

Gene: PNPT1 (polyribonucleotide nucleotidyltransferase 1; minus strand). Cytogenetic location: 2p16.1.
Variant type: Deletion.
Coding change: c.1161_1162del on transcript NM_033109.5 (MANE Select); coding-DNA positions 1161 to 1162, 2 bases deleted (AA; older notation c.1161_1162delAA).
Protein change: p.Gly389fs; shifts the reading frame from glycine 389.
Molecular consequence: frameshift variant.
Genome position (GRCh38, 1-based): chr2:55,667,005-55,667,006, TT deleted on the plus strand (AA on the coding strand, the reverse complement: PNPT1 is on the minus strand); deleting any 2 consecutive bases within chr2:55,667,005-55,667,007 gives the same sequence; the c. name uses the placement nearest the transcript's 3' end. VCF-style (leftmost placement, unchanged base first): chr2-55667004-CTT-C. GRCh37 (hg19) VCF-style: chr2-55894139-CTT-C.
Other names: short protein forms G389fs.
Identifiers: ClinVar variation 4880691 (VCV004880691.2).

ClinVar aggregate classification (germline): Likely pathogenic (1 of 4 stars; one submission).

Submission:

Dasa
Classification: Likely pathogenic. Last evaluated: 2025-12-08. Review status: criteria provided, single submitter. Criteria: DASA Assertion Criteria. Collection method: clinical testing. Allele origin: germline.
Comment: NM_033109.5(PNPT1):c.1161_1162del (p.Gly389Thrfs*11) is a frameshift variant in PNPT1 predicted to alter the reading frame and introduce a premature termination codon and is predicted to result in an absent or altered protein product. Loss of function is an established disease mechanism for PNPT1-associated disorders. Also, this variant is rare in population databases. Based on the currently available evidence, this variant is classified as likely pathogenic.